The following is an entry in ClinVar:

ClinVar aggregate classification (germline): Pathogenic (1 of 4 stars; one submission).

Conditions:
Hereditary cancer-predisposing syndrome. Also called: Neoplastic Syndromes, Hereditary; Tumor predisposition; Hereditary neoplastic syndrome; Hereditary Cancer Syndrome. Identifiers: Orphanet 140162, MedGen C0027672, MeSH D009386, MONDO:0015356.

Submission:

Ambry Genetics
Classification: Pathogenic for Hereditary cancer-predisposing syndrome. Last evaluated: 2026-09-01. Review status: criteria provided, single submitter. Criteria: Ambry Variant Classification Scheme 2023. Collection method: clinical testing. Allele origin: germline.
Comment: The c.297_298delGA pathogenic mutation, located in coding exon 2 of the MSH3 gene, results from a deletion of two nucleotides at nucleotide positions 297 to 298, causing a translational frameshift with a predicted alternate stop codon (p.K100Sfs*12). This variant is considered to be rare based on population cohorts in the Genome Aggregation Database (gnomAD). This variant is expected to result in loss of function by premature protein truncation or nonsense-mediated mRNA decay. As such, this variant is interpreted as a disease-causing mutation.

NM_002439.5(MSH3):c.297_298del (p.Lys100fs)

Gene: MSH3 (mutS homolog 3; plus strand). Cytogenetic location: 5q14.1.
Variant type: Deletion.
Coding change: c.297_298del on transcript NM_002439.5 (MANE Select); coding-DNA positions 297 to 298, 2 bases deleted (GA; older notation c.297_298delGA).
Protein change: p.Lys100fs; shifts the reading frame from lysine 100.
Molecular consequence: frameshift variant.
Genome position (GRCh38, 1-based): chr5:80,656,470-80,656,471, GA deleted; deleting any 2 consecutive bases within chr5:80,656,469-80,656,471 gives the same sequence; the c. name uses the placement nearest the transcript's 3' end. VCF-style (leftmost placement, unchanged base first): chr5-80656468-AAG-A. GRCh37 (hg19) VCF-style: chr5-79952287-AAG-A.
Other names: short protein forms K100fs.
Identifiers: ClinVar variation 5024836 (VCV005024836.1).